The following is an entry in ClinVar:

ClinVar aggregate classification (germline): Benign/Likely benign. Review status: criteria provided, multiple submitters, no conflicts (2 of 4 stars). 3 submissions from 3 submitters: Benign (1); Likely benign (2). Last evaluated 2024-06-19.

Conditions:
Hereditary cancer-predisposing syndrome. Also called: Neoplastic Syndromes, Hereditary; Hereditary Cancer Syndrome; Tumor predisposition; Hereditary neoplastic syndrome. Identifiers: Orphanet 140162, MedGen C0027672, MeSH D009386, MONDO:0015356.
Ataxia-telangiectasia syndrome (AT). Also called: LOUIS-BAR SYNDROME; Cerebello-oculocutaneous telangiectasia; Immunodeficiency with ataxia telangiectasia; Ataxia-telangiectasia, complementation group D; AT, COMPLEMENTATION GROUP C; Ataxia-telangiectasia, complementation group E. Identifiers: Orphanet 100, MedGen C0004135, MONDO:0008840, OMIM 208900.
Familial cancer of breast. Also called: Hereditary breast cancer; BREAST CANCER, FAMILIAL; hereditary breast carcinoma. Identifiers: Orphanet 227535, MedGen C0346153, MONDO:0016419, OMIM 114480. Disease mechanism: loss of function.

Allele frequency attached by ClinVar (database versions not stated): gnomAD exomes below 0.00001.
gnomAD v4.1: 1 of 1,613,982 alleles (0.000062%); no homozygotes.

Submissions (3):

Labcorp Genetics (formerly Invitae), Labcorp
Classification: Likely benign for Ataxia-telangiectasia syndrome. Last evaluated: 2024-06-19. Review status: criteria provided, single submitter. Criteria: Invitae Variant Classification Sherloc (09022015). Collection method: clinical testing. Allele origin: germline.

Myriad Genetics, Inc.
Classification: Benign for Familial cancer of breast. Last evaluated: 2024-06-19. Review status: criteria provided, single submitter. Criteria: Myriad Autosomal Dominant, Autosomal Recessive and X-Linked Classification Criteria (2023). Collection method: clinical testing. Allele origin: unknown.
Comment: This variant is considered benign. This variant is a silent/synonymous amino acid change and it is not expected to impact splicing.

Ambry Genetics
Classification: Likely benign for Hereditary cancer-predisposing syndrome. Last evaluated: 2015-11-03. Review status: criteria provided, single submitter. Criteria: Ambry Variant Classification Scheme 2023. Collection method: clinical testing. Allele origin: germline.

NM_000051.4(ATM):c.8373C>T (p.Tyr2791=)

Genes: ATM (ATM serine/threonine kinase; plus strand), C11orf65 (chromosome 11 open reading frame 65; minus strand). Cytogenetic location: 11q22.3.
Variant type: single nucleotide variant.
Coding change: c.8373C>T on transcript NM_000051.4 (MANE Select); coding-DNA position 8373, C replaced by T.
Protein change: p.Tyr2791=; no amino-acid change (tyrosine 2791 retained).
Molecular consequence: synonymous variant. On other transcripts: intron variant (2).
Genome position (GRCh38, 1-based): chr11:108,343,326, C>T. VCF-style: chr11-108343326-C-T. GRCh37 (hg19) VCF-style: chr11-108214053-C-T.
Other names: c.8373C>T, p.Tyr2791= (NM_001351834.2); c.641-34255G>A (NM_001330368.2); c.695-8034G>A (NM_001351110.2).
Identifiers: ClinVar variation 414578 (VCV000414578.16), dbSNP rs1060504292, ClinGen allele CA16613217.
Genomic context (GRCh38, chr11:108,343,326, plus strand): 5'-AGGAACTGTCCCCATTGGTGAATTTCTTGTTAACAATGAAGATGGTGCTCATAAAAGATA[C>T]AGGCCAAATGATTTCAGTGCCTTTCAGTGCCAAAAGAAAATGATGGTGAGTGACACCCAA-3'
Protein context (NP_000042.3, residues 2781-2801): VNNEDGAHKR[Tyr2791=]RPNDFSAFQC